The following is an entry in ClinVar:

NM_000465.4(BARD1):c.2153A>G (p.Asn718Ser)

Gene: BARD1 (BRCA1 associated RING domain 1; minus strand). Cytogenetic location: 2q35.
Variant type: single nucleotide variant.
Coding change: c.2153A>G on transcript NM_000465.4 (MANE Select); coding-DNA position 2153, A replaced by G.
Protein change: p.Asn718Ser; replaces asparagine 718 with serine.
Molecular consequence: missense variant. On other transcripts: non-coding transcript variant (3).
Genome position (GRCh38, 1-based): chr2:214,728,857, T>C on the plus strand (A>G on the coding strand, the complement: BARD1 is on the minus strand). VCF-style: chr2-214728857-T-C. GRCh37 (hg19) VCF-style: chr2-215593581-T-C.
Other names: c.2096A>G, p.Asn699Ser (NM_001282543.2); c.800A>G, p.Asn267Ser (NM_001282545.2); c.743A>G, p.Asn248Ser (NM_001282548.2); c.614A>G, p.Asn205Ser (NM_001282549.2); short protein forms N718S, N205S, N248S, N267S, N699S.
Identifiers: ClinVar variation 418856 (VCV000418856.21), dbSNP rs773166130, ClinGen allele CA2090072.

ClinVar aggregate classification (germline): Conflicting classifications of pathogenicity. Review status: criteria provided, conflicting classifications (1 of 4 stars). 5 submissions from 5 submitters: Uncertain significance (4); Likely benign (1). Last evaluated 2025-11-24.

Conditions:
Familial cancer of breast. Also called: Hereditary breast cancer; BREAST CANCER, FAMILIAL; hereditary breast carcinoma. Identifiers: Orphanet 227535, MedGen C0346153, MONDO:0016419, OMIM 114480. Disease mechanism: loss of function.
Hereditary cancer-predisposing syndrome. Also called: Hereditary neoplastic syndrome; Tumor predisposition; Neoplastic Syndromes, Hereditary; Hereditary Cancer Syndrome. Identifiers: Orphanet 140162, MedGen C0027672, MeSH D009386, MONDO:0015356.

Allele frequency attached by ClinVar (database versions not stated): gnomAD exomes below 0.00001 and 0.00001; ExAC 0.00001; TOPMed 0.00001.

Submissions (5):

Labcorp Genetics (formerly Invitae), Labcorp
Classification: Uncertain significance for Familial cancer of breast. Last evaluated: 2025-11-24. Review status: criteria provided, single submitter. Criteria: Invitae Variant Classification Sherloc (09022015). Collection method: clinical testing. Allele origin: germline.
Comment: This sequence change replaces asparagine, which is neutral and polar, with serine, which is neutral and polar, at codon 718 of the BARD1 protein (p.Asn718Ser). This variant is present in population databases (rs773166130, gnomAD 0.006%). This variant has not been reported in the literature in individuals affected with BARD1-related conditions. ClinVar contains an entry for this variant (Variation ID: 418856). An algorithm developed to predict the effect of missense changes on protein structure and function outputs the following: PolyPhen-2: "Benign". The serine amino acid residue is found in multiple mammalian species, which suggests that this missense change does not adversely affect protein function. In summary, the available evidence is currently insufficient to determine the role of this variant in disease. Therefore, it has been classified as a Variant of Uncertain Significance.

Ambry Genetics
Classification: Uncertain significance for Hereditary cancer-predisposing syndrome. Last evaluated: 2025-11-08. Review status: criteria provided, single submitter. Criteria: Ambry Variant Classification Scheme 2023. Collection method: clinical testing. Allele origin: germline.

Color Diagnostics, LLC DBA Color Health
Classification: Likely benign for Hereditary cancer-predisposing syndrome. Last evaluated: 2024-10-29. Review status: criteria provided, single submitter. Criteria: ACMG Guidelines, 2015. Collection method: clinical testing. Allele origin: germline.

GeneDx
Classification: Uncertain significance. Last evaluated: 2024-03-06. Review status: criteria provided, single submitter. Criteria: GeneDx Variant Classification Process June 2021. Collection method: clinical testing. Allele origin: germline. Affected: yes.
Comment: Has not been previously published as pathogenic or benign in association with a BARD1-related disorder to our knowledge; Not observed at significant frequency in large population cohorts (gnomAD); In silico analysis supports that this missense variant does not alter protein structure/function; This variant is associated with the following publications: (PMID: 17550235, 36243179, 33471991)

Baylor Genetics
Classification: Uncertain significance for Familial cancer of breast. Last evaluated: 2023-12-25. Review status: criteria provided, single submitter. Criteria: ACMG Guidelines, 2015. Collection method: clinical testing. Allele origin: unknown.